The following is an entry in ClinVar:

ClinVar aggregate classification (germline): Uncertain significance (1 of 4 stars; one submission).

Submission:

Labcorp Genetics (formerly Invitae), Labcorp
Classification: Uncertain significance. Last evaluated: 2023-10-22. Review status: criteria provided, single submitter. Criteria: Invitae Variant Classification Sherloc (09022015). Collection method: clinical testing. Allele origin: germline.
Comment: This sequence change replaces threonine, which is neutral and polar, with arginine, which is basic and polar, at codon 475 of the LZTR1 protein (p.Thr475Arg). This variant is not present in population databases (gnomAD no frequency). This variant has not been reported in the literature in individuals affected with LZTR1-related conditions. Advanced modeling of protein sequence and biophysical properties (such as structural, functional, and spatial information, amino acid conservation, physicochemical variation, residue mobility, and thermodynamic stability) performed at Invitae indicates that this missense variant is not expected to disrupt LZTR1 protein function. In summary, the available evidence is currently insufficient to determine the role of this variant in disease. Therefore, it has been classified as a Variant of Uncertain Significance.

NM_006767.4(LZTR1):c.1424C>G (p.Thr475Arg)

Gene: LZTR1 (leucine zipper like post translational regulator 1; plus strand). Cytogenetic location: 22q11.21.
Variant type: single nucleotide variant.
Coding change: c.1424C>G on transcript NM_006767.4 (MANE Select); coding-DNA position 1424, C replaced by G.
Protein change: p.Thr475Arg; replaces threonine 475 with arginine.
Molecular consequence: missense variant.
Genome position (GRCh38, 1-based): chr22:20,993,994, C>G. VCF-style: chr22-20993994-C-G. GRCh37 (hg19) VCF-style: chr22-21348283-C-G.
Other names: short protein forms T475R.
Identifiers: ClinVar variation 3001538 (VCV003001538.3), dbSNP rs376046310, ClinGen allele CA410775281.
Genomic context (GRCh38, chr22:20,993,994, plus strand): 5'-GCGTGCAGGGCCACGTAGCCATTGTCACAGCGCGGAGCCGCTGGCTTCGCAGGAAGATCA[C>G]GCAGGCGCGGGAGAGGCTGGCCCAGGTGAGGTGCCTAACCGCCCTGCCCTGACCTGGCAG-3'
Protein context (NP_006758.2, residues 465-485): ARSRWLRRKI[Thr475Arg]QARERLAQKL